The following is an entry in ClinVar:

NM_003072.5(SMARCA4):c.4145C>A (p.Ser1382Ter)

Gene: SMARCA4 (SWI/SNF related BAF chromatin remodeling complex subunit ATPase 4; plus strand). Cytogenetic location: 19p13.2.
Variant type: single nucleotide variant.
Coding change: c.4145C>A on transcript NM_003072.5 (MANE Select); coding-DNA position 4145, C replaced by A.
Protein change: p.Ser1382Ter; replaces serine 1382 with a stop codon.
Molecular consequence: nonsense. On other transcripts: non-coding transcript variant (1).
Genome position (GRCh38, 1-based): chr19:11,035,107, C>A. VCF-style: chr19-11035107-C-A. GRCh37 (hg19) VCF-style: chr19-11145783-C-A.
Other names: c.4145C>A, p.Ser1382Ter (NM_001128844.3, NM_001128849.3, NM_001387283.1); c.4046C>A, p.Ser1349Ter (NM_001128845.2, NM_001128846.2, NM_001128847.4 and 3 more transcripts); short protein forms S1349*, S1382*.
Identifiers: ClinVar variation 2702715 (VCV002702715.3), dbSNP rs2146703685, ClinGen allele CA404068583.

ClinVar aggregate classification (germline): Pathogenic (1 of 4 stars; one submission).

Conditions:
Rhabdoid tumor predisposition syndrome 2 (RTPS2). Identifiers: Orphanet 231108, Orphanet 69077, MedGen C2750074, MONDO:0013224, OMIM 613325.

Submission:

Labcorp Genetics (formerly Invitae), Labcorp
Classification: Pathogenic for Rhabdoid tumor predisposition syndrome 2. Last evaluated: 2023-12-13. Review status: criteria provided, single submitter. Criteria: Invitae Variant Classification Sherloc (09022015). Collection method: clinical testing. Allele origin: germline.
Comment: This sequence change creates a premature translational stop signal (p.Ser1382*) in the SMARCA4 gene. It is expected to result in an absent or disrupted protein product. Loss-of-function variants in SMARCA4 are known to be pathogenic (PMID: 24658001, 24658002). This variant is not present in population databases (gnomAD no frequency). This variant has not been reported in the literature in individuals affected with SMARCA4-related conditions. For these reasons, this variant has been classified as Pathogenic.

Literature cited by the submitters: PubMed 24658001; PubMed 24658002.